The following is an entry in ClinVar:

ClinVar aggregate classification (germline): Uncertain significance (1 of 4 stars; one submission).

Submission:

Labcorp Genetics (formerly Invitae), Labcorp
Classification: Uncertain significance. Last evaluated: 2025-10-21. Review status: criteria provided, single submitter. Criteria: Invitae Variant Classification Sherloc (09022015). Collection method: clinical testing. Allele origin: germline.
Comment: This sequence change creates a premature translational stop signal (p.Cys111Alafs*7) in the LRRC10 gene. While this is not anticipated to result in nonsense mediated decay, it is expected to disrupt the last 167 amino acid(s) of the LRRC10 protein. This variant is not present in population databases (gnomAD no frequency). This variant has not been reported in the literature in individuals affected with LRRC10-related conditions. In summary, the available evidence is currently insufficient to determine the role of this variant in disease. Therefore, it has been classified as a Variant of Uncertain Significance.

NM_201550.4(LRRC10):c.331del (p.Cys111fs)

Gene: LRRC10 (leucine rich repeat containing 10; minus strand). Cytogenetic location: 12q15.
Variant type: Deletion.
Coding change: c.331del on transcript NM_201550.4 (MANE Select); coding-DNA position 331, one base deleted (T; older notation c.331delT).
Protein change: p.Cys111fs; shifts the reading frame from cysteine 111.
Molecular consequence: frameshift variant.
Genome position (GRCh38, 1-based): chr12:69,610,508, A deleted on the plus strand (T on the coding strand, the reverse complement: LRRC10 is on the minus strand). VCF-style (leftmost placement, unchanged base first): chr12-69610507-CA-C. GRCh37 (hg19) VCF-style: chr12-70004287-CA-C.
Other names: short protein forms C111fs.
Identifiers: ClinVar variation 4790615 (VCV004790615.1).